The following is an entry in ClinVar:

NM_001267550.2(TTN):c.5622del (p.Trp1874fs)

Gene: TTN (titin; minus strand). Cytogenetic location: 2q31.2.
Variant type: Deletion.
Coding change: c.5622del on transcript NM_001267550.2 (MANE Select); coding-DNA position 5622, one base deleted (G; older notation c.5622delG).
Protein change: p.Trp1874fs; shifts the reading frame from tryptophan 1874.
Molecular consequence: frameshift variant.
Genome position (GRCh38, 1-based): chr2:178,776,242, C deleted on the plus strand (G on the coding strand, the reverse complement: TTN is on the minus strand); the first of 2 consecutive C bases (chr2:178,776,242-178,776,243); deleting either gives the same sequence. VCF-style (leftmost placement, unchanged base first): chr2-178776241-AC-A. GRCh37 (hg19) VCF-style: chr2-179640968-AC-A.
Other names: c.5622del, p.Trp1874fs (NM_001256850.1, NM_133378.4, NM_133379.5); c.5484del, p.Trp1828fs (NM_003319.4, NM_133432.3, NM_133437.4); short protein forms W1874fs, W1828fs.
Identifiers: ClinVar variation 2948575 (VCV002948575.3), dbSNP rs2532860555, ClinGen allele CA2740096300.

ClinVar aggregate classification (germline): Likely pathogenic (1 of 4 stars; one submission).

Conditions:
Dilated cardiomyopathy 1G (CMD1G). Identifiers: Orphanet 154, MedGen C1858763, MONDO:0011400, OMIM 604145.
Autosomal recessive limb-girdle muscular dystrophy type 2J (LGMDR10). Also called: Limb-girdle muscular dystrophy, type 2J; MUSCULAR DYSTROPHY, LIMB-GIRDLE, AUTOSOMAL RECESSIVE 10. Identifiers: Orphanet 140922, MedGen C1837342, MONDO:0012127, OMIM 608807.

Submission:

Labcorp Genetics (formerly Invitae), Labcorp
Classification: Likely pathogenic for Dilated cardiomyopathy 1G; Autosomal recessive limb-girdle muscular dystrophy type 2J. Last evaluated: 2024-10-18. Review status: criteria provided, single submitter. Criteria: Invitae Variant Classification Sherloc (09022015). Collection method: clinical testing. Allele origin: germline.
Comment: This sequence change creates a premature translational stop signal (p.Trp1874Cysfs*37) in the TTN gene. While this is not anticipated to result in nonsense mediated decay, it is expected to create a truncated TTN protein. This variant is not present in population databases (gnomAD no frequency). This variant has not been reported in the literature in individuals affected with TTN-related conditions. This variant is located in the Z band of TTN (PMID: 25589632). Truncating variants in this region have been reported in individuals affected with autosomal recessive centronuclear myopathy (PMID: 33449170, internal data). Truncating variants in this region have also been identified in individuals affected with autosomal dominant dilated cardiomyopathy and/or cardio-related conditions (PMID: 27869827, 32964742, internal data). In summary, the currently available evidence indicates that the variant is pathogenic, but additional data are needed to prove that conclusively. Therefore, this variant has been classified as Likely Pathogenic.

Literature cited by the submitters: PubMed 25589632; PubMed 33449170; PubMed 27869827; PubMed 32964742.